The following is an entry in ClinVar:

NM_001111125.3(IQSEC2):c.826C>T (p.Pro276Ser)

Gene: IQSEC2 (IQ motif and Sec7 domain ArfGEF 2; minus strand). Cytogenetic location: Xp11.22.
Variant type: single nucleotide variant.
Coding change: c.826C>T on transcript NM_001111125.3 (MANE Select); coding-DNA position 826, C replaced by T.
Protein change: p.Pro276Ser; replaces proline 276 with serine.
Molecular consequence: missense variant.
Genome position (GRCh38, 1-based): chrX:53,255,973, G>A on the plus strand (C>T on the coding strand, the complement: IQSEC2 is on the minus strand). VCF-style: chrX-53255973-G-A. GRCh37 (hg19) VCF-style: chrX-53285155-G-A.
Other names: c.826C>T, p.Pro276Ser (NM_001410736.1); c.211C>T, p.Pro71Ser (NM_015075.2); short protein forms P276S, P71S.
Identifiers: ClinVar variation 2734409 (VCV002734409.3), dbSNP rs1556865113, ClinGen allele CA413171972.

ClinVar aggregate classification (germline): Uncertain significance (1 of 4 stars; one submission).

Conditions:
Intellectual developmental disorder, X-linked 1. Also called: MENTAL RETARDATION, X-LINKED 18; MENTAL RETARDATION, X-LINKED 78; Atkin Flaitz Patil Smith syndrome; Intellectual disability, X-linked 1. Identifiers: Orphanet 777, MedGen C2931498, MONDO:0010656, OMIM 309530.

Submission:

Labcorp Genetics (formerly Invitae), Labcorp
Classification: Uncertain significance for Intellectual developmental disorder, X-linked 1. Last evaluated: 2023-06-30. Review status: criteria provided, single submitter. Criteria: Invitae Variant Classification Sherloc (09022015). Collection method: clinical testing. Allele origin: germline.
Comment: Advanced modeling of protein sequence and biophysical properties (such as structural, functional, and spatial information, amino acid conservation, physicochemical variation, residue mobility, and thermodynamic stability) performed at Invitae indicates that this missense variant is not expected to disrupt IQSEC2 protein function. This sequence change replaces proline, which is neutral and non-polar, with serine, which is neutral and polar, at codon 276 of the IQSEC2 protein (p.Pro276Ser). This variant is not present in population databases (gnomAD no frequency). This variant has not been reported in the literature in individuals affected with IQSEC2-related conditions. In summary, the available evidence is currently insufficient to determine the role of this variant in disease. Therefore, it has been classified as a Variant of Uncertain Significance.